The following is an entry in ClinVar:

ClinVar aggregate classification (germline): Uncertain significance. Review status: criteria provided, multiple submitters, no conflicts (2 of 4 stars). 2 submissions from 2 submitters: Uncertain significance (2). Last evaluated 2025-12-23.

Conditions:
Hereditary cancer-predisposing syndrome. Also called: Neoplastic Syndromes, Hereditary; Tumor predisposition; Hereditary neoplastic syndrome; Hereditary Cancer Syndrome. Identifiers: Orphanet 140162, MedGen C0027672, MeSH D009386, MONDO:0015356.

gnomAD v4.1: 1 of 1,613,450 alleles (0.000062%); highest among the groups gnomAD compares: South Asian, 0.0011%; no homozygotes.

Submissions (2):

Ambry Genetics
Classification: Uncertain significance for Hereditary cancer-predisposing syndrome. Last evaluated: 2025-12-23. Review status: criteria provided, single submitter. Criteria: Ambry Variant Classification Scheme 2023. Collection method: clinical testing. Allele origin: germline.
Comment: The p.S436F variant (also known as c.1307C>T), located in coding exon 4 of the BARD1 gene, results from a C to T substitution at nucleotide position 1307. The serine at codon 436 is replaced by phenylalanine, an amino acid with highly dissimilar properties. This amino acid position is conserved. In addition, the in silico prediction for this alteration is inconclusive. Based on the available evidence, the clinical significance of this variant remains unclear.

Blueprint Genetics
Classification: Uncertain significance. Last evaluated: 2023-04-04. Review status: criteria provided, single submitter. Criteria: ACMG Guidelines, 2015. Collection method: clinical testing. Allele origin: germline.

NM_000465.4(BARD1):c.1307C>T (p.Ser436Phe)

Gene: BARD1 (BRCA1 associated RING domain 1; minus strand). Cytogenetic location: 2q35.
Variant type: single nucleotide variant.
Coding change: c.1307C>T on transcript NM_000465.4 (MANE Select); coding-DNA position 1307, C replaced by T.
Protein change: p.Ser436Phe; replaces serine 436 with phenylalanine.
Molecular consequence: missense variant. On other transcripts: non-coding transcript variant (2), intron variant (3).
Genome position (GRCh38, 1-based): chr2:214,780,567, G>A on the plus strand (C>T on the coding strand, the complement: BARD1 is on the minus strand). VCF-style: chr2-214780567-G-A. GRCh37 (hg19) VCF-style: chr2-215645291-G-A.
Other names: c.1250C>T, p.Ser417Phe (NM_001282543.2); c.159-28012C>T (NM_001282548.2); c.215+16494C>T (NM_001282545.2); c.364+11730C>T (NM_001282549.2); short protein forms S436F, S417F.
Identifiers: ClinVar variation 4842586 (VCV004842586.2).